The following is an entry in ClinVar:

NM_001376571.1(MADD):c.4383C>T (p.Cys1461=)

Gene: MADD (MAP kinase activating death domain; plus strand). Cytogenetic location: 11p11.2.
Variant type: single nucleotide variant.
Coding change: c.4383C>T on transcript NM_001376571.1 (MANE Select); coding-DNA position 4383, C replaced by T.
Protein change: p.Cys1461=; no amino-acid change (cysteine 1461 retained).
Molecular consequence: synonymous variant. On other transcripts: non-coding transcript variant (8).
Genome position (GRCh38, 1-based): chr11:47,323,676, C>T. VCF-style: chr11-47323676-C-T. GRCh37 (hg19) VCF-style: chr11-47345227-C-T.
Other names: c.4389C>T, p.Cys1463= (NM_001376596.1); c.4182C>T, p.Cys1394= (NM_001376597.1, NM_001376598.1, NM_001376645.1 and 1 more transcripts); c.4371C>T, p.Cys1457= (NM_001376599.1, NM_001376600.1, NM_001376601.1 and 2 more transcripts); c.4164C>T, p.Cys1388= (NM_001376602.1); c.4140C>T, p.Cys1380= (NM_001376603.1, NM_001376651.1, NM_001376652.1); c.4128C>T, p.Cys1376= (NM_001376604.1, NM_001376655.1, NM_001376656.1); c.4329C>T, p.Cys1443= (NM_001376605.1, NM_001376574.1); c.4326C>T, p.Cys1442= (NM_001376606.1); and 43 more.
Identifiers: ClinVar variation 2641764 (VCV002641764.25), dbSNP rs201234903, ClinGen allele CA5975139.
Genomic context (GRCh38, chr11:47,323,676, plus strand): 5'-TAGGGAGAGGCTGTCAGAGACAGGAACCACTGAGCCGCTTTGTGCACTTCTCCAGGTGTG[C>T]GATGACTGTGTGGTGTTGCGTAGTAACATCGGAACAGTGTATGAGCGCTGGTGGTACGAG-3'
Protein context (NP_001363500.1, residues 1451-1471): TNGDIFFMEV[Cys1461=]DDCVVLRSNI

ClinVar aggregate classification (germline): Likely benign. Review status: criteria provided, multiple submitters, no conflicts (2 of 4 stars). 2 submissions from 2 submitters: Likely benign (2). Last evaluated 2024-10-21.

Allele frequency attached by ClinVar (database versions not stated): gnomAD exomes 0.00004; gnomAD 0.00005; TOPMed 0.00009; ExAC 0.00012; 1000 Genomes Project 30x 0.00031; 1000 Genomes Project 0.00040.
gnomAD v4.1: 108 of 1,612,840 alleles (0.0067%); highest among the groups gnomAD compares: East Asian, 0.089%; no homozygotes.

Submissions (2):

Blueprint Genetics
Classification: Likely benign. Last evaluated: 2024-10-21. Review status: criteria provided, single submitter. Criteria: ACMG Guidelines, 2015. Collection method: clinical testing. Allele origin: germline.

CeGaT Center for Human Genetics Tuebingen
Classification: Likely benign. Last evaluated: 2022-10-01. Review status: criteria provided, single submitter. Criteria: CeGaT Center For Human Genetics Tuebingen Variant Classification Criteria Version 2. Collection method: clinical testing. Allele origin: germline. Affected: yes. Observed: 1 variant allele.
Comment: MADD: BP4, BP7